The following is an entry in ClinVar:

ClinVar aggregate classification (germline): Uncertain significance. Review status: criteria provided, multiple submitters, no conflicts (2 of 4 stars). 3 submissions from 3 submitters: Uncertain significance (3). Last evaluated 2025-03-17.

Conditions:
Inborn genetic diseases. Identifiers: MedGen C0950123, MeSH D030342.
Nemaline myopathy 8 (NEM8). Also called: Nemaline myopathy 8, autosomal recessive. Identifiers: Orphanet 171430, MedGen C3809209, MONDO:0014138, OMIM 615348.

Allele frequency attached by ClinVar (database versions not stated): gnomAD 0.00012 and 0.00011; ExAC 0.00002; TOPMed 0.00010; ESP Exome Variant Server 0.00015; gnomAD exomes 0.00001.
gnomAD v4.1: 23 of 1,613,668 alleles (0.0014%); highest among the groups gnomAD compares: African/African-American, 0.028%; no homozygotes.

Submissions (3):

Ambry Genetics
Classification: Uncertain significance for Inborn genetic diseases. Last evaluated: 2025-03-17. Review status: criteria provided, single submitter. Criteria: Ambry Variant Classification Scheme 2023. Collection method: clinical testing. Allele origin: germline.

Labcorp Genetics (formerly Invitae), Labcorp
Classification: Uncertain significance for Nemaline myopathy 8. Last evaluated: 2021-02-22. Review status: criteria provided, single submitter. Criteria: Invitae Variant Classification Sherloc (09022015). Collection method: clinical testing. Allele origin: germline.
Comment: In summary, the available evidence is currently insufficient to determine the role of this variant in disease. Therefore, it has been classified as a Variant of Uncertain Significance. Algorithms developed to predict the effect of missense changes on protein structure and function (SIFT, PolyPhen-2, Align-GVGD) all suggest that this variant is likely to be disruptive, but these predictions have not been confirmed by published functional studies and their clinical significance is uncertain. This variant has not been reported in the literature in individuals with KLHL40-related conditions. ClinVar contains an entry for this variant (Variation ID: 804978). This variant is present in population databases (rs377564589, ExAC 0.02%). This sequence change replaces asparagine with lysine at codon 359 of the KLHL40 protein (p.Asn359Lys). The asparagine residue is highly conserved and there is a moderate physicochemical difference between asparagine and lysine.

Athena Diagnostics
Classification: Uncertain significance. Last evaluated: 2018-12-27. Review status: criteria provided, single submitter. Criteria: Athena Diagnostics Criteria. Collection method: clinical testing. Allele origin: germline.

NM_152393.4(KLHL40):c.1077C>G (p.Asn359Lys)

Gene: KLHL40 (kelch like family member 40; plus strand). Cytogenetic location: 3p22.1.
Variant type: single nucleotide variant.
Coding change: c.1077C>G on transcript NM_152393.4 (MANE Select); coding-DNA position 1077, C replaced by G.
Protein change: p.Asn359Lys; replaces asparagine 359 with lysine.
Molecular consequence: missense variant.
Genome position (GRCh38, 1-based): chr3:42,686,695, C>G. VCF-style: chr3-42686695-C-G. GRCh37 (hg19) VCF-style: chr3-42728187-C-G.
Other names: c.1077C>G (NM_152393.2); short protein forms N359K.
Identifiers: ClinVar variation 804978 (VCV000804978.7), dbSNP rs377564589, ClinGen allele CA2336793.